The following is an entry in ClinVar:

ClinVar aggregate classification (germline): Uncertain significance (1 of 4 stars; one submission).

Submission:

GeneDx
Classification: Uncertain significance. Last evaluated: 2022-05-27. Review status: criteria provided, single submitter. Criteria: GeneDx Variant Classification Process June 2021. Collection method: clinical testing. Allele origin: germline. Affected: yes.
Comment: Not observed at significant frequency in large population cohorts (gnomAD); In silico analysis supports that this missense variant has a deleterious effect on protein structure/function; Has not been previously published as pathogenic or benign to our knowledge

NM_138691.3(TMC1):c.1358A>G (p.Asn453Ser)

Gene: TMC1 (transmembrane channel like 1; plus strand). Cytogenetic location: 9q21.13.
Variant type: single nucleotide variant.
Coding change: c.1358A>G on transcript NM_138691.3 (MANE Select); coding-DNA position 1358, A replaced by G.
Protein change: p.Asn453Ser; replaces asparagine 453 with serine.
Molecular consequence: missense variant.
Genome position (GRCh38, 1-based): chr9:72,792,019, A>G. VCF-style: chr9-72792019-A-G. GRCh37 (hg19) VCF-style: chr9-75406935-A-G.
Other names: short protein forms N453S.
Identifiers: ClinVar variation 1801035 (VCV001801035.1), dbSNP rs2489926382, ClinGen allele CA373506405.